The following is an entry in ClinVar:

ClinVar aggregate classification (germline): Pathogenic (3 of 4 stars; one submission).

Conditions:
CYP1B1-related glaucoma with or without anterior segment dysgenesis. Identifiers: MedGen CN375931, MONDO:0800472.

Submission:

ClinGen Glaucoma Variant Curation Expert Panel
Classification: Pathogenic for CYP1B1-related glaucoma with or without anterior segment dysgenesis. Last evaluated: 2026-10-27. Review status: reviewed by expert panel. Criteria: ClinGen Glaucoma ACMG Specifications CYP1B1 V2.0. Collection method: curation. Allele origin: germline. Inheritance: Autosomal recessive inheritance.
Comment: The c.920_923dup variant in CYP1B1 is a duplication of four consecutive nucleotides, predicted to encode a frameshift with consequent premature termination of the protein at codon 19 of the frameshift (p.His309LeufsTer19). This variant was not found in any genetic ancestry group of gnomAD (v4.1), meeting the ≤ 0.0005 threshold set for PM2_Supporting in a genetic ancestry group of at least 2,000 alleles. This frameshift variant was predicted to undergo NMD, meeting PVS1. There was no functional evidence predicting a damaging or benign impact of this variant on CYP1B1 function. This variant has been identified in an individual with a CYP1B1-related phenotype. This individual is compound heterozygous for the variant and a pathogenic (phase unknown) (Cao pers. com.). Total proband points = 0.5, meeting PM3_Supporting. In summary, this variant met the criteria to receive a score of 10 and to be classified as pathogenic (pathogenic classification ≥ 10, adapted from PMID: 32720330) for CYP1B1-related glaucoma with or without anterior segment dysgenesis (ASD) based on the ACMG/AMP criteria met, as specified by the ClinGen Glaucoma VCEP (v2.0, 16.07.2026): PVS1, PM2_Supporting, PM3_Supporting

NM_000104.4(CYP1B1):c.920_923dup (p.His309fs)

Gene: CYP1B1 (cytochrome P450 family 1 subfamily B member 1; minus strand). Cytogenetic location: 2p22.2.
Variant type: Duplication.
Coding change: c.920_923dup on transcript NM_000104.4 (MANE Select); coding-DNA positions 920 to 923, 4 bases duplicated (ACTC; older notation c.920_923dupACTC).
Protein change: p.His309fs; shifts the reading frame from histidine 309.
Molecular consequence: frameshift variant.
Genome position (GRCh38, 1-based): chr2:38,074,466-38,074,469, GAGT duplicated on the plus strand (ACTC on the coding strand, the reverse complement: CYP1B1 is on the minus strand). VCF-style (leftmost placement, unchanged base first): chr2-38074465-C-CGAGT. GRCh37 (hg19) VCF-style: chr2-38301608-C-CGAGT.
Other names: NM_000104.4:c.920_923dup; short protein forms H309fs.
Identifiers: ClinVar variation 5037941 (VCV005037941.1).